The following is an entry in ClinVar:

NM_003630.3(PEX3):c.899G>A (p.Arg300Gln)

Gene: PEX3 (peroxisomal biogenesis factor 3; plus strand). Cytogenetic location: 6q24.2.
Variant type: single nucleotide variant.
Coding change: c.899G>A on transcript NM_003630.3 (MANE Select); coding-DNA position 899, G replaced by A.
Protein change: p.Arg300Gln; replaces arginine 300 with glutamine.
Molecular consequence: missense variant.
Genome position (GRCh38, 1-based): chr6:143,479,156, G>A. VCF-style: chr6-143479156-G-A. GRCh37 (hg19) VCF-style: chr6-143800293-G-A.
Other names: short protein forms R300Q.
Identifiers: ClinVar variation 501431 (VCV000501431.15), dbSNP rs200463608, ClinGen allele CA4029701.

ClinVar aggregate classification (germline): Uncertain significance. Review status: criteria provided, multiple submitters, no conflicts (2 of 4 stars). 3 submissions from 3 submitters: Uncertain significance (3). Last evaluated 2022-08-01.

Conditions:
Peroxisome biogenesis disorder 10A (Zellweger). Also called: Peroxisome biogenesis disorder 10A. Identifiers: Orphanet 912, MedGen C3553999, MONDO:0013948, OMIM 614882.

Allele frequency attached by ClinVar (database versions not stated): TOPMed 0.00002; gnomAD 0.00003; ESP Exome Variant Server 0.00008; gnomAD exomes 0.00002; ExAC 0.00003.
gnomAD v4.1: 54 of 1,604,464 alleles (0.0034%); highest among the groups gnomAD compares: Non-Finnish European, 0.0044%; no homozygotes.

Submissions (3):

Labcorp Genetics (formerly Invitae), Labcorp
Classification: Uncertain significance. Last evaluated: 2022-08-01. Review status: criteria provided, single submitter. Criteria: Invitae Variant Classification Sherloc (09022015). Collection method: clinical testing. Allele origin: germline.
Comment: This sequence change replaces arginine, which is basic and polar, with glutamine, which is neutral and polar, at codon 300 of the PEX3 protein (p.Arg300Gln). This variant is present in population databases (rs200463608, gnomAD 0.004%). This variant has not been reported in the literature in individuals affected with PEX3-related conditions. ClinVar contains an entry for this variant (Variation ID: 501431). Algorithms developed to predict the effect of missense changes on protein structure and function (SIFT, PolyPhen-2, Align-GVGD) all suggest that this variant is likely to be tolerated. Algorithms developed to predict the effect of sequence changes on RNA splicing suggest that this variant may disrupt the consensus splice site. In summary, the available evidence is currently insufficient to determine the role of this variant in disease. Therefore, it has been classified as a Variant of Uncertain Significance.

Illumina Laboratory Services, Illumina
Classification: Uncertain significance for Peroxisome biogenesis disorder 10A (Zellweger). Last evaluated: 2017-04-27. Review status: criteria provided, single submitter. Criteria: ICSL Variant Classification Criteria 13 December 2019. Collection method: clinical testing. Allele origin: germline.

Eurofins Ntd Llc (ga)
Classification: Uncertain significance. Last evaluated: 2017-04-11. Review status: criteria provided, single submitter. Criteria: EGL Classification Definitions 2015. Collection method: clinical testing. Allele origin: germline. Observed: 1 variant allele, 1 heterozygote.